The following is an entry in ClinVar:

ClinVar aggregate classification (germline): Benign/Likely benign. Review status: criteria provided, multiple submitters, no conflicts (2 of 4 stars). 4 submissions from 4 submitters: Benign (3); Likely benign (1). Last evaluated 2026-01-15.

Conditions:
Absence seizure. Also called: Absence epilepsy. Identifiers: Orphanet 1941, MedGen C0014553.
Myoclonic epilepsy, juvenile, susceptibility to, 1. Also called: Myoclonic Epilepsy, Juvenile, 1; EJM1. Identifiers: MedGen C1850778, MONDO:0020752, OMIM 254770.

Allele frequency attached by ClinVar (database versions not stated): ESP Exome Variant Server 0.00746; gnomAD 0.00805 and 0.00755; gnomAD exomes 0.00072 and 0.00174; TOPMed 0.00775; 1000 Genomes Project 0.00879; ExAC 0.00228; 1000 Genomes Project 30x 0.00828.
gnomAD v4.1: 2,257 of 1,613,990 alleles (0.14%); highest among the groups gnomAD compares: African/African-American, 2.6%; 32 homozygotes.

Submissions (4):

Labcorp Genetics (formerly Invitae), Labcorp
Classification: Benign for Myoclonic epilepsy, juvenile, susceptibility to, 1; Absence seizure. Last evaluated: 2026-01-15. Review status: criteria provided, single submitter. Criteria: Invitae Variant Classification Sherloc (09022015). Collection method: clinical testing. Allele origin: germline.

Fulgent Genetics
Classification: Likely benign for Myoclonic epilepsy, juvenile, susceptibility to, 1; Epilepsy, juvenile absence, susceptibility to, 1. Last evaluated: 2021-11-05. Review status: criteria provided, single submitter. Criteria: ACMG Guidelines, 2015. Collection method: clinical testing. Allele origin: unknown.

Athena Diagnostics
Classification: Benign. Last evaluated: 2019-03-29. Review status: criteria provided, single submitter. Criteria: Athena Diagnostics Criteria. Collection method: clinical testing. Allele origin: germline.

GeneDx
Classification: Benign. Last evaluated: 2013-01-22. Review status: criteria provided, single submitter. Criteria: GeneDx Variant Classification (06012015). Collection method: clinical testing. Allele origin: germline. Affected: yes.
Comment: This variant is considered likely benign or benign based on one or more of the following criteria: it is a conservative change, it occurs at a poorly conserved position in the protein, it is predicted to be benign by multiple in silico algorithms, and/or has population frequency not consistent with disease.

NM_018100.4(EFHC1):c.1893C>T (p.Tyr631=)

Gene: EFHC1 (EF-hand domain containing 1; plus strand). Cytogenetic location: 6p12.2.
Variant type: single nucleotide variant.
Coding change: c.1893C>T on transcript NM_018100.4 (MANE Select); coding-DNA position 1893, C replaced by T.
Protein change: p.Tyr631=; no amino-acid change (tyrosine 631 retained).
Molecular consequence: synonymous variant. On other transcripts: non-coding transcript variant (1).
Genome position (GRCh38, 1-based): chr6:52,492,311, C>T. VCF-style: chr6-52492311-C-T. GRCh37 (hg19) VCF-style: chr6-52357109-C-T.
Other names: p.Y631Y:TAC>TAT; c.1836C>T, p.Tyr612= (NM_001172420.2).
Identifiers: ClinVar variation 137197 (VCV000137197.15), dbSNP rs35648306, ClinGen allele CA290717.